The following is an entry in ClinVar:

NM_000540.3(RYR1):c.13773C>T (p.Asp4591=)

Gene: RYR1 (ryanodine receptor 1; plus strand). Cytogenetic location: 19q13.2.
Variant type: single nucleotide variant.
Coding change: c.13773C>T on transcript NM_000540.3 (MANE Select); coding-DNA position 13773, C replaced by T.
Protein change: p.Asp4591=; no amino-acid change (aspartic acid 4591 retained).
Molecular consequence: synonymous variant.
Genome position (GRCh38, 1-based): chr19:38,572,045, C>T. VCF-style: chr19-38572045-C-T. GRCh37 (hg19) VCF-style: chr19-39062685-C-T.
Other names: c.13758C>T, p.Asp4586= (NM_001042723.2).
Identifiers: ClinVar variation 389432 (VCV000389432.14), dbSNP rs111578044, ClinGen allele CA060524.

ClinVar aggregate classification (germline): Likely benign. Review status: criteria provided, multiple submitters, no conflicts (2 of 4 stars). 5 submissions from 5 submitters: Likely benign (5). Last evaluated 2025-12-06.

Conditions:
RYR1-related disorder. Also called: RYR1-related condition; RYR1-related disorders. Identifiers: MedGen CN239331.
Malignant hyperthermia, susceptibility to, 1 (MHS1). Also called: Anesthesia related hyperthermia; Malignant hyperpyrexia; Fulminating hyperpyrexia; Pharmacogenic myopathy; RYR1-Related Malignant Hyperthermia Susceptibility; Malignant hyperthermia suceptibility 1. Identifiers: Orphanet 423, MedGen C2930980, MONDO:0007783, OMIM 145600.

Allele frequency attached by ClinVar (database versions not stated): ExAC 0.00001; gnomAD exomes 0.00001 and 0.00002; TOPMed 0.00001; gnomAD 0.00002 and 0.00003.
gnomAD v4.1: 53 of 1,614,050 alleles (0.0033%); highest among the groups gnomAD compares: African/African-American, 0.02%; no homozygotes.

Submissions (5):

Labcorp Genetics (formerly Invitae), Labcorp
Classification: Likely benign for RYR1-related disorder. Last evaluated: 2025-12-06. Review status: criteria provided, single submitter. Criteria: Invitae Variant Classification Sherloc (09022015). Collection method: clinical testing. Allele origin: germline.

Blueprint Genetics
Classification: Likely benign. Last evaluated: 2024-10-22. Review status: criteria provided, single submitter. Criteria: ACMG Guidelines, 2015. Collection method: clinical testing. Allele origin: germline.

All of Us Research Program, National Institutes of Health
Classification: Likely benign for Malignant hyperthermia, susceptibility to, 1. Last evaluated: 2023-12-13. Review status: criteria provided, single submitter. Criteria: ACMG Guidelines, 2015. Collection method: clinical testing. Allele origin: germline. Inheritance: Autosomal dominant inheritance. Observed: 5 variant alleles, 5 heterozygotes.
Comment: This study involves interpretation of variants in research participants for the purpose of population health screening. Participant phenotype was not available at the time of variant classification. Additional details can be found in publication PMID: 35346344, PMCID: PMC8962531

Color Diagnostics, LLC DBA Color Health
Classification: Likely benign for Malignant hyperthermia, susceptibility to, 1. Last evaluated: 2022-11-06. Review status: criteria provided, single submitter. Criteria: ACMG Guidelines, 2015. Collection method: clinical testing. Allele origin: germline.

GeneDx
Classification: Likely benign. Last evaluated: 2016-10-05. Review status: criteria provided, single submitter. Criteria: GeneDx Variant Classification (06012015). Collection method: clinical testing. Allele origin: germline. Affected: yes.
Comment: This variant is considered likely benign or benign based on one or more of the following criteria: it is a conservative change, it occurs at a poorly conserved position in the protein, it is predicted to be benign by multiple in silico algorithms, and/or has population frequency not consistent with disease.